The following is an entry in ClinVar:

NM_020631.6(PLEKHG5):c.654G>C (p.Gln218His)

Gene: PLEKHG5 (pleckstrin homology and RhoGEF domain containing G5; minus strand). Cytogenetic location: 1p36.31.
Variant type: single nucleotide variant.
Coding change: c.654G>C on transcript NM_020631.6 (MANE Select); coding-DNA position 654, G replaced by C.
Protein change: p.Gln218His; replaces glutamine 218 with histidine.
Molecular consequence: missense variant.
Genome position (GRCh38, 1-based): chr1:6,473,392, C>G on the plus strand (G>C on the coding strand, the complement: PLEKHG5 is on the minus strand). VCF-style: chr1-6473392-C-G. GRCh37 (hg19) VCF-style: chr1-6533452-C-G.
Other names: c.861G>C, p.Gln287His (NM_001265593.2); c.654G>C, p.Gln218His (NM_001265594.3, NM_001042664.2, NM_001042665.2 and 1 more transcripts); c.765G>C, p.Gln255His (NM_001042663.3, NM_001265592.2); short protein forms Q255H, Q287H, Q218H.
Identifiers: ClinVar variation 944753 (VCV000944753.5), dbSNP rs909536143, ClinGen allele CA17242380.
Genomic context (GRCh38, chr1:6,473,392, plus strand): 5'-AGTGTTGGTGCTGCCACTGCTGCCGCTGGGCAGAGAGCAGCTGGAGGGCGTGGGGGGCTC[C>G]TGCCCGGGGATGCTCGCCTCCCCCAGGAACTCCGACATGTTCTTGCGGCGGCGGCCAGGG-3'
Protein context (NP_065682.2, residues 208-228): EFLGEASIPG[Gln218His]EPPTPSSCSL

ClinVar aggregate classification (germline): Uncertain significance. Review status: criteria provided, multiple submitters, no conflicts (2 of 4 stars). 2 submissions from 2 submitters: Uncertain significance (2). Last evaluated 2022-06-04.

Conditions:
Neuronopathy, distal hereditary motor, autosomal recessive 4. Also called: Autosomal recessive lower motor neuron disease with childhood onset; NEUROPATHY, DISTAL HEREDITARY MOTOR, AUTOSOMAL RECESSIVE 4. Identifiers: Orphanet 206580, MedGen C1970211, MONDO:0012608, OMIM 611067.
Charcot-Marie-Tooth disease recessive intermediate C. Also called: CHARCOT-MARIE-TOOTH NEUROPATHY, RECESSIVE INTERMEDIATE C. Identifiers: Orphanet 369867, MedGen C3809309, MONDO:0014154, OMIM 615376.
Inborn genetic diseases. Identifiers: MedGen C0950123, MeSH D030342.

Allele frequency attached by ClinVar (database versions not stated): gnomAD exomes 0.00002; TOPMed 0.00002; gnomAD 0.00005.
gnomAD v4.1: 37 of 1,546,362 alleles (0.0024%); highest among the groups gnomAD compares: Non-Finnish European, 0.0031%; no homozygotes.

Submissions (2):

Labcorp Genetics (formerly Invitae), Labcorp
Classification: Uncertain significance for Neuronopathy, distal hereditary motor, autosomal recessive 4; Charcot-Marie-Tooth disease recessive intermediate C. Last evaluated: 2022-06-04. Review status: criteria provided, single submitter. Criteria: Invitae Variant Classification Sherloc (09022015). Collection method: clinical testing. Allele origin: germline.
Comment: This sequence change replaces glutamine, which is neutral and polar, with histidine, which is basic and polar, at codon 218 of the PLEKHG5 protein (p.Gln218His). This variant is present in population databases (no rsID available, gnomAD 0.01%). This variant has not been reported in the literature in individuals affected with PLEKHG5-related conditions. ClinVar contains an entry for this variant (Variation ID: 944753). Algorithms developed to predict the effect of missense changes on protein structure and function (SIFT, PolyPhen-2, Align-GVGD) all suggest that this variant is likely to be tolerated. In summary, the available evidence is currently insufficient to determine the role of this variant in disease. Therefore, it has been classified as a Variant of Uncertain Significance.

Ambry Genetics
Classification: Uncertain significance for Inborn genetic diseases. Last evaluated: 2019-12-19. Review status: criteria provided, single submitter. Criteria: Ambry Variant Classification Scheme 2023. Collection method: clinical testing. Allele origin: germline.
Comment: The p.Q218H variant (also known as c.654G>C), located in coding exon 7 of the PLEKHG5 gene, results from a G to C substitution at nucleotide position 654. The glutamine at codon 218 is replaced by histidine, an amino acid with highly similar properties. This amino acid position is not well conserved in available vertebrate species. In addition, this alteration is predicted to be tolerated by in silico analysis. Since supporting evidence is limited at this time, the clinical significance of this alteration remains unclear.